The following is an entry in ClinVar:

NM_021098.3(CACNA1H):c.2216G>A (p.Arg739His)

Gene: CACNA1H (calcium voltage-gated channel subunit alpha1 H; plus strand). Cytogenetic location: 16p13.3.
Variant type: single nucleotide variant.
Coding change: c.2216G>A on transcript NM_021098.3 (MANE Select); coding-DNA position 2216, G replaced by A.
Protein change: p.Arg739His; replaces arginine 739 with histidine.
Molecular consequence: missense variant.
Genome position (GRCh38, 1-based): chr16:1,204,223, G>A. VCF-style: chr16-1204223-G-A. GRCh37 (hg19) VCF-style: chr16-1254223-G-A.
Other names: c.2216G>A, p.Arg739His (NM_001005407.2); short protein forms R739H.
Identifiers: ClinVar variation 798206 (VCV000798206.27), dbSNP rs372759314, ClinGen allele CA7800156.

ClinVar aggregate classification (germline): Benign/Likely benign. Review status: criteria provided, multiple submitters, no conflicts (2 of 4 stars). 2 submissions from 2 submitters: Benign (1); Likely benign (1). Last evaluated 2025-01-13.

Conditions:
Idiopathic generalized epilepsy. Also called: Generalised epilepsy; EIG. Identifiers: MedGen C0270850, MONDO:0005579, OMIM 600669.
Hyperaldosteronism, familial, type IV (HALD4). Also called: FH IV; ALDOSTERONISM, PRIMARY, AND HYPERTENSION. Identifiers: Orphanet 642671, MedGen C4310756, MONDO:0014875, OMIM 617027.

Allele frequency attached by ClinVar (database versions not stated): ESP Exome Variant Server 0.00016; gnomAD 0.00018 and 0.00019; TOPMed 0.00018.
gnomAD v4.1: 236 of 1,611,462 alleles (0.015%); highest among the groups gnomAD compares: Admixed American, 0.017%; no homozygotes.

Submissions (2):

Labcorp Genetics (formerly Invitae), Labcorp
Classification: Benign for Idiopathic generalized epilepsy; Hyperaldosteronism, familial, type IV. Last evaluated: 2025-01-13. Review status: criteria provided, single submitter. Criteria: Invitae Variant Classification Sherloc (09022015). Collection method: clinical testing. Allele origin: germline.

CeGaT Center for Human Genetics Tuebingen
Classification: Likely benign. Last evaluated: 2024-07-01. Review status: criteria provided, single submitter. Criteria: CeGaT Center For Human Genetics Tuebingen Variant Classification Criteria Version 2. Collection method: clinical testing. Allele origin: germline. Affected: yes. Observed: 1 variant allele.
Comment: CACNA1H: BS1